The following is an entry in ClinVar:

NM_019066.5(MAGEL2):c.2626G>A (p.Val876Ile)

Gene: MAGEL2 (MAGE family member L2; minus strand). Cytogenetic location: 15q11.2.
Variant type: single nucleotide variant.
Coding change: c.2626G>A on transcript NM_019066.5 (MANE Select); coding-DNA position 2626, G replaced by A.
Protein change: p.Val876Ile; replaces valine 876 with isoleucine.
Molecular consequence: missense variant.
Genome position (GRCh38, 1-based): chr15:23,645,117, C>T on the plus strand (G>A on the coding strand, the complement: MAGEL2 is on the minus strand). VCF-style: chr15-23645117-C-T. GRCh37 (hg19) VCF-style: chr15-23890264-C-T.
Other names: c.2626G>A (NM_019066.4); short protein forms V876I.
Identifiers: ClinVar variation 3339356 (VCV003339356.10).

ClinVar aggregate classification (germline): Uncertain significance. Review status: criteria provided, multiple submitters, no conflicts (2 of 4 stars). 3 submissions from 3 submitters: Uncertain significance (3). Last evaluated 2025-07-01.

Conditions:
MAGEL2-related disorder. Also called: MAGEL2-related condition.

gnomAD v4.1: 14 of 1,613,764 alleles (0.00087%); highest among the groups gnomAD compares: South Asian, 0.0022%; no homozygotes.

Submissions (3):

CeGaT Center for Human Genetics Tuebingen
Classification: Uncertain significance. Last evaluated: 2025-07-01. Review status: criteria provided, single submitter. Criteria: CeGaT Center For Human Genetics Tuebingen Variant Classification Criteria Version 2. Collection method: clinical testing. Allele origin: germline. Affected: yes. Observed: 1 variant allele.
Comment: MAGEL2: PM2:Supporting, BP4

PreventionGenetics, part of Exact Sciences
Classification: Uncertain significance for MAGEL2-related condition. Last evaluated: 2024-11-23. Review status: criteria provided, single submitter. Criteria: ACMG Guidelines, 2015. Collection method: clinical testing. Allele origin: germline.
Comment: The MAGEL2 c.2626G>A variant is predicted to result in the amino acid substitution p.Val876Ile. To our knowledge, this variant has not been reported in the literature. This variant is reported in 0.0065% of alleles in individuals of South Asian descent in gnomAD. At this time, the clinical significance of this variant is uncertain due to the absence of conclusive functional and genetic evidence.

Women's Health and Genetics/Laboratory Corporation of America, LabCorp
Classification: Uncertain significance. Last evaluated: 2024-07-24. Review status: criteria provided, single submitter. Criteria: LabCorp Variant Classification Summary - May 2015. Collection method: clinical testing. Allele origin: germline.
Comment: Variant summary: MAGEL2 c.2626G>A (p.Val876Ile) results in a conservative amino acid change in the encoded protein sequence. Two of two in-silico tools predict a benign effect of the variant on protein function. The variant allele was found at a frequency of 2.4e-05 in 248882 control chromosomes. The available data on variant occurrences in the general population are insufficient to allow any conclusion about variant significance. To our knowledge, no occurrence of c.2626G>A in individuals affected with Schaaf-Yang Syndrome and no experimental evidence demonstrating its impact on protein function have been reported. No submitters have cited clinical-significance assessments for this variant to ClinVar. Based on the evidence outlined above, the variant was classified as uncertain significance.